The following is an entry in ClinVar:

ClinVar aggregate classification (germline): Uncertain significance (1 of 4 stars; one submission).

Conditions:
Progressive microcephaly-seizures-cortical blindness-developmental delay syndrome. Also called: Seizures, cortical blindness, and microcephaly syndrome. Identifiers: Orphanet 477814, MedGen C5567650, MONDO:0014714, OMIM 616632.
Autosomal dominant nonsyndromic hearing loss 1. Also called: KONIGSMARK SYNDROME; DEAFNESS, AUTOSOMAL DOMINANT 1, WITH OR WITHOUT THROMBOCYTOPENIA. Identifiers: Orphanet 90635, MedGen C1852282, MONDO:0007424, OMIM 124900.

Submission:

Labcorp Genetics (formerly Invitae), Labcorp
Classification: Uncertain significance for Progressive microcephaly-seizures-cortical blindness-developmental delay syndrome; Autosomal dominant nonsyndromic hearing loss 1. Last evaluated: 2025-12-21. Review status: criteria provided, single submitter. Criteria: Invitae Variant Classification Sherloc (09022015). Collection method: clinical testing. Allele origin: germline.
Comment: This sequence change replaces serine, which is neutral and polar, with leucine, which is neutral and non-polar, at codon 854 of the DIAPH1 protein (p.Ser854Leu). This variant is not present in population databases (gnomAD no frequency). This variant has not been reported in the literature in individuals affected with DIAPH1-related conditions. An algorithm developed to predict the effect of missense changes on protein structure and function (PolyPhen-2) suggests that this variant is likely to be disruptive. In summary, the available evidence is currently insufficient to determine the role of this variant in disease. Therefore, it has been classified as a Variant of Uncertain Significance.

NM_005219.5(DIAPH1):c.2561C>T (p.Ser854Leu)

Gene: DIAPH1 (diaphanous related formin 1; minus strand). Cytogenetic location: 5q31.3.
Variant type: single nucleotide variant.
Coding change: c.2561C>T on transcript NM_005219.5 (MANE Select); coding-DNA position 2561, C replaced by T.
Protein change: p.Ser854Leu; replaces serine 854 with leucine.
Molecular consequence: missense variant.
Genome position (GRCh38, 1-based): chr5:141,534,355, G>A on the plus strand (C>T on the coding strand, the complement: DIAPH1 is on the minus strand). VCF-style: chr5-141534355-G-A. GRCh37 (hg19) VCF-style: chr5-140913922-G-A.
Other names: c.2534C>T, p.Ser845Leu (NM_001079812.3); c.2561C>T, p.Ser854Leu (NM_001314007.2); short protein forms S854L, S845L.
Identifiers: ClinVar variation 4792220 (VCV004792220.1).
Genomic context (GRCh38, chr5:141,534,355, plus strand): 5'-TCCTTCACATTTTGAATAGTTGGGACCAAGAGATACTCACAGAGATTCTGGGCTGTCTTT[G>A]AATCCAACACCTTTAACTCTTTTACTTTTTTCTTTTGCACAGATTTCTTTTCTTCTCCAC-3'
Protein context (NP_005210.3, residues 844-864): KKVKELKVLD[Ser854Leu]KTAQNLSIFL